The following is an entry in ClinVar:

ClinVar aggregate classification (germline): Uncertain significance. Review status: criteria provided, multiple submitters, no conflicts (2 of 4 stars). 3 submissions from 3 submitters: Uncertain significance (3). Last evaluated 2025-05-01.

Conditions:
Inborn genetic diseases. Identifiers: MedGen C0950123, MeSH D030342.
Charcot-Marie-Tooth disease recessive intermediate C. Also called: CHARCOT-MARIE-TOOTH NEUROPATHY, RECESSIVE INTERMEDIATE C. Identifiers: Orphanet 369867, MedGen C3809309, MONDO:0014154, OMIM 615376.
Neuronopathy, distal hereditary motor, autosomal recessive 4. Also called: Autosomal recessive lower motor neuron disease with childhood onset; NEUROPATHY, DISTAL HEREDITARY MOTOR, AUTOSOMAL RECESSIVE 4. Identifiers: Orphanet 206580, MedGen C1970211, MONDO:0012608, OMIM 611067.

Allele frequency attached by ClinVar (database versions not stated): gnomAD exomes 0.00003; ExAC 0.00004; TOPMed 0.00006; gnomAD 0.00007; ESP Exome Variant Server 0.00008.
gnomAD v4.1: 51 of 1,613,660 alleles (0.0032%); highest among the groups gnomAD compares: Middle Eastern, 0.049%; 1 homozygote.

Submissions (3):

Ambry Genetics
Classification: Uncertain significance for Inborn genetic diseases. Last evaluated: 2025-05-01. Review status: criteria provided, single submitter. Criteria: Ambry Variant Classification Scheme 2023. Collection method: clinical testing. Allele origin: germline.

Mayo Clinic Laboratories, Mayo Clinic
Classification: Uncertain significance. Last evaluated: 2023-09-21. Review status: criteria provided, single submitter. Criteria: ACMG Guidelines, 2015. Collection method: clinical testing. Allele origin: germline. Observed: 1 variant allele.
Comment: BP4

Labcorp Genetics (formerly Invitae), Labcorp
Classification: Uncertain significance for Neuronopathy, distal hereditary motor, autosomal recessive 4; Charcot-Marie-Tooth disease recessive intermediate C. Last evaluated: 2022-06-30. Review status: criteria provided, single submitter. Criteria: Invitae Variant Classification Sherloc (09022015). Collection method: clinical testing. Allele origin: germline.
Comment: This sequence change replaces glycine, which is neutral and non-polar, with serine, which is neutral and polar, at codon 743 of the PLEKHG5 protein (p.Gly743Ser). This variant is present in population databases (rs145073653, gnomAD 0.009%). This variant has not been reported in the literature in individuals affected with PLEKHG5-related conditions. ClinVar contains an entry for this variant (Variation ID: 536774). Algorithms developed to predict the effect of missense changes on protein structure and function output the following: SIFT: "Tolerated"; PolyPhen-2: "Benign"; Align-GVGD: "Class C0". The serine amino acid residue is found in multiple mammalian species, which suggests that this missense change does not adversely affect protein function. In summary, the available evidence is currently insufficient to determine the role of this variant in disease. Therefore, it has been classified as a Variant of Uncertain Significance.

NM_020631.6(PLEKHG5):c.2227G>A (p.Gly743Ser)

Gene: PLEKHG5 (pleckstrin homology and RhoGEF domain containing G5; minus strand). Cytogenetic location: 1p36.31.
Variant type: single nucleotide variant.
Coding change: c.2227G>A on transcript NM_020631.6 (MANE Select); coding-DNA position 2227, G replaced by A.
Protein change: p.Gly743Ser; replaces glycine 743 with serine.
Molecular consequence: missense variant.
Genome position (GRCh38, 1-based): chr1:6,469,064, C>T on the plus strand (G>A on the coding strand, the complement: PLEKHG5 is on the minus strand). VCF-style: chr1-6469064-C-T. GRCh37 (hg19) VCF-style: chr1-6529124-C-T.
Other names: p.Gly743Ser; c.2338G>A, p.Gly780Ser (NM_001042663.3, NM_001265592.2); c.2227G>A, p.Gly743Ser (NM_001042664.2, NM_001042665.2, NM_001265594.3 and 1 more transcripts); c.2227G>A (NM_020631.5); c.2434G>A, p.Gly812Ser (NM_001265593.2); short protein forms G743S, G812S, G780S.
Identifiers: ClinVar variation 536774 (VCV000536774.13), dbSNP rs145073653, ClinGen allele CA561215.